The following is an entry in ClinVar:

ClinVar aggregate classification (germline): Pathogenic (1 of 4 stars; one submission).

Submission:

Labcorp Genetics (formerly Invitae), Labcorp
Classification: Pathogenic. Last evaluated: 2021-12-15. Review status: criteria provided, single submitter. Criteria: Invitae Variant Classification Sherloc (09022015). Collection method: clinical testing. Allele origin: germline.
Comment: This variant is a gross deletion of the genomic region encompassing exon(s) 30-32 of the ELP1 gene. This deletion is out-of-frame, and is expected to create a premature termination codon and result in an absent or disrupted protein product. Loss-of-function variants in ELP1 are known to be pathogenic (PMID: 18303054, 24173031). This variant has not been reported in the literature in individuals affected with ELP1-related conditions. For these reasons, this variant has been classified as Pathogenic.

Literature cited by the submitters: PubMed 18303054; PubMed 24173031.

NC_000009.11:g.(?_111642322)_(111644477_?)del

Gene: ELP1 (elongator acetyltransferase complex subunit 1; minus strand). Cytogenetic location: 9q31.3.
Variant type: Deletion.
Identifiers: ClinVar variation 1069004 (VCV001069004.4).